The following is an entry in ClinVar:

ClinVar aggregate classification (germline): Uncertain significance (1 of 4 stars; one submission).

Allele frequency attached by ClinVar (database versions not stated): gnomAD exomes below 0.00001.
gnomAD v4.1: 1 of 1,614,122 alleles (0.000062%); highest among the groups gnomAD compares: South Asian, 0.0011%; no homozygotes.

Submission:

GeneDx
Classification: Uncertain significance. Last evaluated: 2022-12-07. Review status: criteria provided, single submitter. Criteria: GeneDx Variant Classification Process June 2021. Collection method: clinical testing. Allele origin: germline. Affected: yes.
Comment: Not observed at significant frequency in large population cohorts (gnomAD); In silico analysis supports that this missense variant has a deleterious effect on protein structure/function; Has not been previously published as pathogenic or benign to our knowledge

NM_000092.5(COL4A4):c.169T>C (p.Cys57Arg)

Gene: COL4A4 (collagen type IV alpha 4 chain; minus strand). Cytogenetic location: 2q36.3.
Variant type: single nucleotide variant.
Coding change: c.169T>C on transcript NM_000092.5 (MANE Select); coding-DNA position 169, T replaced by C.
Protein change: p.Cys57Arg; replaces cysteine 57 with arginine.
Molecular consequence: missense variant.
Genome position (GRCh38, 1-based): chr2:227,140,184, A>G on the plus strand (T>C on the coding strand, the complement: COL4A4 is on the minus strand). VCF-style: chr2-227140184-A-G. GRCh37 (hg19) VCF-style: chr2-228004900-A-G.
Other names: short protein forms C57R.
Identifiers: ClinVar variation 1804415 (VCV001804415.1), dbSNP rs2476899951, ClinGen allele CA350866295.